The following is an entry in ClinVar:

NM_006231.4(POLE):c.4494G>A (p.Ala1498=)

Gene: POLE (DNA polymerase epsilon, catalytic subunit; minus strand). Cytogenetic location: 12q24.33.
Variant type: single nucleotide variant.
Coding change: c.4494G>A on transcript NM_006231.4 (MANE Select); coding-DNA position 4494, G replaced by A.
Protein change: p.Ala1498=; no amino-acid change (alanine 1498 retained).
Molecular consequence: synonymous variant.
Genome position (GRCh38, 1-based): chr12:132,643,281, C>T on the plus strand (G>A on the coding strand, the complement: POLE is on the minus strand). VCF-style: chr12-132643281-C-T. GRCh37 (hg19) VCF-style: chr12-133219867-C-T.
Identifiers: ClinVar variation 240521 (VCV000240521.23), dbSNP rs777611171, ClinGen allele CA6892822.

ClinVar aggregate classification (germline): Benign/Likely benign. Review status: criteria provided, multiple submitters, no conflicts (2 of 4 stars). 9 submissions from 9 submitters: Benign (1); Likely benign (8). Last evaluated 2026-07-01.

Conditions:
Familial colorectal cancer type X. Identifiers: Orphanet 440437, MedGen C3896578, MONDO:0018604.
Hereditary cancer-predisposing syndrome. Also called: Hereditary neoplastic syndrome; Hereditary Cancer Syndrome; Neoplastic Syndromes, Hereditary; Tumor predisposition. Identifiers: Orphanet 140162, MedGen C0027672, MeSH D009386, MONDO:0015356.

Allele frequency attached by ClinVar (database versions not stated): TOPMed 0.00002; gnomAD exomes 0.00003 and 0.00006; ExAC 0.00004.
gnomAD v4.1: 50 of 1,613,834 alleles (0.0031%); highest among the groups gnomAD compares: Admixed American, 0.03%; no homozygotes.

Submissions (9):

CeGaT Center for Human Genetics Tuebingen
Classification: Likely benign. Last evaluated: 2026-07-01. Review status: criteria provided, single submitter. Criteria: CeGaT Center For Human Genetics Tuebingen Variant Classification Criteria Version 2. Collection method: clinical testing. Allele origin: germline. Affected: yes. Observed: 1 variant allele.
Comment: POLE: BP4, BP7

Labcorp Genetics (formerly Invitae), Labcorp
Classification: Likely benign. Last evaluated: 2026-01-16. Review status: criteria provided, single submitter. Criteria: Invitae Variant Classification Sherloc (09022015). Collection method: clinical testing. Allele origin: germline.

Blueprint Genetics
Classification: Likely benign. Last evaluated: 2024-03-04. Review status: criteria provided, single submitter. Criteria: ACMG Guidelines, 2015. Collection method: clinical testing. Allele origin: germline.

Sema4
Classification: Likely benign for Hereditary cancer-predisposing syndrome. Last evaluated: 2021-06-23. Review status: criteria provided, single submitter. Criteria: Sema4 Curation Guidelines. Collection method: curation. Allele origin: germline.

Department of Pathology and Laboratory Medicine, Sinai Health System
Classification: Likely benign for Familial colorectal cancer type X. Last evaluated: 2021-01-13. Review status: criteria provided, single submitter. Criteria: ACMG Guidelines, 2015. Collection method: clinical testing. Allele origin: germline. Affected: yes.

GeneDx
Classification: Likely benign. Last evaluated: 2019-03-26. Review status: criteria provided, single submitter. Criteria: GeneDx Variant Classification Process June 2021. Collection method: clinical testing. Allele origin: germline. Affected: yes.

Quest Diagnostics Nichols Institute San Juan Capistrano
Classification: Benign. Last evaluated: 2018-04-26. Review status: criteria provided, single submitter. Criteria: Quest Diagnostics criteria. Collection method: clinical testing. Allele origin: germline.

PreventionGenetics, part of Exact Sciences
Classification: Likely benign. Last evaluated: 2017-12-11. Review status: criteria provided, single submitter. Criteria: ACMG Guidelines, 2015. Collection method: clinical testing. Allele origin: germline.

Ambry Genetics
Classification: Likely benign for Hereditary cancer-predisposing syndrome. Last evaluated: 2015-08-20. Review status: criteria provided, single submitter. Criteria: Ambry Variant Classification Scheme 2023. Collection method: clinical testing. Allele origin: germline.